The following is an entry in ClinVar:

NM_024408.4(NOTCH2):c.6505A>G (p.Met2169Val)

Gene: NOTCH2 (notch receptor 2; minus strand). Cytogenetic location: 1p12.
Variant type: single nucleotide variant.
Coding change: c.6505A>G on transcript NM_024408.4 (MANE Select); coding-DNA position 6505, A replaced by G.
Protein change: p.Met2169Val; replaces methionine 2169 with valine.
Molecular consequence: missense variant.
Genome position (GRCh38, 1-based): chr1:119,916,217, T>C on the plus strand (A>G on the coding strand, the complement: NOTCH2 is on the minus strand). VCF-style: chr1-119916217-T-C. GRCh37 (hg19) VCF-style: chr1-120458840-T-C.
Other names: short protein forms M2169V.
Identifiers: ClinVar variation 1948433 (VCV001948433.6), dbSNP rs760320928, ClinGen allele CA1039415.

ClinVar aggregate classification (germline): Uncertain significance. Review status: criteria provided, multiple submitters, no conflicts (2 of 4 stars). 2 submissions from 2 submitters: Uncertain significance (2). Last evaluated 2024-03-14.

Conditions:
Alagille syndrome due to a NOTCH2 point mutation. Also called: Alagille syndrome 2. Identifiers: Orphanet 261629, Orphanet 52, MedGen C1857761, MONDO:0012439, OMIM 610205.
Hajdu-Cheney syndrome (HJCYS). Also called: ACROOSTEOLYSIS WITH OSTEOPOROSIS AND CHANGES IN SKULL AND MANDIBLE; SERPENTINE FIBULA-POLYCYSTIC KIDNEY SYNDROME; Acroosteolysis dominant type. Identifiers: Orphanet 955, MedGen C0917715, MONDO:0007057, OMIM 102500.

Allele frequency attached by ClinVar (database versions not stated): TOPMed below 0.00001; gnomAD 0.00001; gnomAD exomes 0.00001; ExAC 0.00002.
gnomAD v4.1: 13 of 1,614,046 alleles (0.00081%); highest among the groups gnomAD compares: South Asian, 0.0066%; no homozygotes.

Submissions (2):

Fulgent Genetics
Classification: Uncertain significance for Hajdu-Cheney syndrome; Alagille syndrome due to a NOTCH2 point mutation. Last evaluated: 2024-03-14. Review status: criteria provided, single submitter. Criteria: ACMG Guidelines, 2015. Collection method: clinical testing. Allele origin: germline.

Labcorp Genetics (formerly Invitae), Labcorp
Classification: Uncertain significance for Hajdu-Cheney syndrome. Last evaluated: 2023-12-27. Review status: criteria provided, single submitter. Criteria: Invitae Variant Classification Sherloc (09022015). Collection method: clinical testing. Allele origin: germline.
Comment: This sequence change replaces methionine, which is neutral and non-polar, with valine, which is neutral and non-polar, at codon 2169 of the NOTCH2 protein (p.Met2169Val). This variant is present in population databases (rs760320928, gnomAD 0.003%). This variant has not been reported in the literature in individuals affected with NOTCH2-related conditions. ClinVar contains an entry for this variant (Variation ID: 1948433). Advanced modeling of protein sequence and biophysical properties (such as structural, functional, and spatial information, amino acid conservation, physicochemical variation, residue mobility, and thermodynamic stability) performed at Invitae indicates that this missense variant is not expected to disrupt NOTCH2 protein function with a negative predictive value of 80%. In summary, the available evidence is currently insufficient to determine the role of this variant in disease. Therefore, it has been classified as a Variant of Uncertain Significance.